The following is an entry in ClinVar:

ClinVar aggregate classification (germline): Uncertain significance (1 of 4 stars; one submission).

Submission:

GeneDx
Classification: Uncertain significance. Last evaluated: 2025-02-25. Review status: criteria provided, single submitter. Criteria: GeneDx Variant Classification Process June 2021. Collection method: clinical testing. Allele origin: germline. Affected: yes.
Comment: Not observed at significant frequency in large population cohorts (gnomAD); In silico analysis indicates that this missense variant does not alter protein structure/function; Has not been previously published as pathogenic or benign to our knowledge

NM_000807.4(GABRA2):c.313A>G (p.Lys105Glu)

Gene: GABRA2 (gamma-aminobutyric acid type A receptor subunit alpha2; minus strand). Cytogenetic location: 4p12.
Variant type: single nucleotide variant.
Coding change: c.313A>G on transcript NM_000807.4 (MANE Select); coding-DNA position 313, A replaced by G.
Protein change: p.Lys105Glu; replaces lysine 105 with glutamic acid.
Molecular consequence: missense variant.
Genome position (GRCh38, 1-based): chr4:46,312,659, T>C on the plus strand (A>G on the coding strand, the complement: GABRA2 is on the minus strand). VCF-style: chr4-46312659-T-C. GRCh37 (hg19) VCF-style: chr4-46314676-T-C.
Other names: c.313A>G, p.Lys105Glu (NM_001114175.3, NM_001330690.2, NM_001377144.1 and 8 more transcripts); c.148A>G, p.Lys50Glu (NM_001286827.3, NM_001377152.1, NM_001377153.1 and 1 more transcripts); short protein forms K105E, K50E.
Identifiers: ClinVar variation 4076556 (VCV004076556.1).